The following is an entry in ClinVar:

ClinVar aggregate classification (germline): Likely pathogenic (1 of 4 stars; one submission).

Conditions:
Myopathy, proximal, and ophthalmoplegia (CMYO6). Also called: MYOPATHY WITH CONGENITAL JOINT CONTRACTURES, OPHTHALMOPLEGIA, AND RIMMED VACUOLES; INCLUSION BODY MYOPATHY 3, AUTOSOMAL DOMINANT; CONGENITAL MYOPATHY 6 WITH OPHTHALMOPLEGIA. Identifiers: Orphanet 363677, Orphanet 79091, MedGen C1854106, MONDO:0011577, OMIM 605637.

Submission:

Diagnostics Services (NGS), CSIR - Centre For Cellular And Molecular Biology
Classification: Likely pathogenic for Myopathy, proximal, and ophthalmoplegia. Last evaluated: 2026-08-06. Review status: criteria provided, single submitter. Criteria: ACMG Guidelines, 2015. Collection method: clinical testing. Allele origin: germline. Affected: no. Observed: 2 variant alleles, 1 heterozygote.

NM_017534.6(MYH2):c.3162del (p.Glu1055fs)

Genes: MYHAS (myosin heavy chain gene cluster antisense RNA; plus strand), MYH2 (myosin heavy chain 2; minus strand). Cytogenetic location: 17p13.1.
Variant type: Deletion.
Coding change: c.3162del on transcript NM_017534.6 (MANE Select); coding-DNA position 3162, one base deleted (A; older notation c.3162delA).
Protein change: p.Glu1055fs; shifts the reading frame from glutamic acid 1055.
Molecular consequence: frameshift variant.
Genome position (GRCh38, 1-based): chr17:10,529,437, T deleted on the plus strand (A on the coding strand, the reverse complement: MYH2 is on the minus strand). VCF-style (leftmost placement, unchanged base first): chr17-10529436-CT-C. GRCh37 (hg19) VCF-style: chr17-10432753-CT-C.
Other names: c.3162del, p.Glu1055fs (NM_001100112.2); short protein forms E1055fs.
Identifiers: ClinVar variation 4974973 (VCV004974973.1).